The following is an entry in ClinVar:

ClinVar aggregate classification (germline): Pathogenic/Likely pathogenic. Review status: criteria provided, multiple submitters, no conflicts (2 of 4 stars). 4 submissions from 4 submitters: Pathogenic (1); Likely pathogenic (1). 2 of the submissions do not count toward it. Last evaluated 2025-11-10.

Conditions:
Congenital hereditary endothelial dystrophy of cornea. Also called: Congenital hereditary endothelial dystrophy type II; Congenital hereditary endothelial dystrophy of the cornea; Maumenee corneal dystrophy; CORNEAL DYSTROPHY, CONGENITAL HEREDITARY ENDOTHELIAL; Corneal endothelial dystrophy, autosomal recessive. Identifiers: Orphanet 293603, MedGen C1857569, MONDO:0009019, OMIM 217700.
Corneal dystrophy-perceptive deafness syndrome (CDPD). Also called: CORNEAL DYSTROPHY AND SENSORINEURAL DEAFNESS; HARBOYAN SYNDROME. Identifiers: Orphanet 1490, MedGen C1857572, MONDO:0009015, OMIM 217400.

Allele frequency attached by ClinVar (database versions not stated): TOPMed 0.00001; gnomAD exomes 0.00001 and below 0.00001; ExAC 0.00001.

Submissions (4):

Natera, Inc.
Classification: Likely pathogenic for Corneal dystrophy-perceptive deafness syndrome. Last evaluated: 2025-11-10. Review status: criteria provided, single submitter. Criteria: Natera Variant Classification Schema (03/2026). Collection method: clinical testing. Allele origin: germline.
Comment: The c.2605C>T variant in SLC4A11 is a missense variant predicted to cause substitution of arginine to cysteine at amino acid 869. This variant is rare in the general population with a frequency below the threshold expected for the associated phenotype(s). This variant has been observed in one or more individuals affected with the associated recessive disease, as either homozygous or compound heterozygous with a second variant (PMID: 16767101, 17397048). Functional studies show that this variant may disrupt protein function (PMID: 16767101). A different variant at the same position has been determined to be Pathogenic or Likely Pathogenic. Computational prediction algorithms indicate this variant is likely to affect gene or protein function. Given the available evidence, this variant is classified as Likely Pathogenic.

Institute of Medical Genetics and Applied Genomics, University Hospital Tübingen
Classification: Pathogenic. Last evaluated: 2021-09-15. Review status: criteria provided, single submitter. Criteria: ACMG Guidelines, 2015. Collection method: clinical testing. Allele origin: germline. Inheritance: Autosomal recessive inheritance. Affected: yes.

Prof. Brien Holden Eye Research Center, Hyderabad Eye Research Foundation, L V Prasad Eye Institute
Classification: Likely pathogenic for Congenital hereditary endothelial dystrophy of cornea. Last evaluated: 2022-08-07. Review status: no assertion criteria provided. Criteria: ACMG Guidelines, 2015. Collection method: case-control. Allele origin: unknown. Affected: yes. Not counted in ClinVar's aggregate classification.
Comment: Opaque cornea with reduced visual acuity

It has been previously reported in CHED patients (PMID: 16767101; 34637099; 17397048; 33541055). This change was not observed in the 80 healthy Indian controls.

OMIM
Classification: Pathogenic for CORNEAL ENDOTHELIAL DYSTROPHY. Last evaluated: 2008-03-01. Review status: no assertion criteria provided. Collection method: literature only. Allele origin: germline. Not counted in ClinVar's aggregate classification.

Literature cited by the submitters: PubMed 16767101 (cited by Natera, Inc. and Prof. Brien Holden Eye Research Center, Hyderabad Eye Research Foundation, L V Prasad Eye Institute); PubMed 17397048 (cited by Natera, Inc. and Prof. Brien Holden Eye Research Center, Hyderabad Eye Research Foundation, L V Prasad Eye Institute); PubMed 34637099 (cited by Prof. Brien Holden Eye Research Center, Hyderabad Eye Research Foundation, L V Prasad Eye Institute); PubMed 33541055 (cited by Prof. Brien Holden Eye Research Center, Hyderabad Eye Research Foundation, L V Prasad Eye Institute); PubMed 18024964 (cited by OMIM).

NM_001174089.2(SLC4A11):c.2557C>T (p.Arg853Cys)

Gene: SLC4A11 (solute carrier family 4 member 11; minus strand). Cytogenetic location: 20p13.
Variant type: single nucleotide variant.
Coding change: c.2557C>T on transcript NM_001174089.2 (MANE Select); coding-DNA position 2557, C replaced by T.
Protein change: p.Arg853Cys; replaces arginine 853 with cysteine.
Molecular consequence: missense variant. On other transcripts: non-coding transcript variant (1).
Genome position (GRCh38, 1-based): chr20:3,228,260, G>A on the plus strand (C>T on the coding strand, the complement: SLC4A11 is on the minus strand). VCF-style: chr20-3228260-G-A. GRCh37 (hg19) VCF-style: chr20-3208906-G-A.
Other names: c.2605C>T (NM_032034.3); c.2686C>T, p.Arg896Cys (NM_001174090.2); c.2443C>T, p.Arg815Cys (NM_001363745.2); c.2605C>T, p.Arg869Cys (NM_032034.4); short protein forms R869C, R853C, R815C, R896C.
Identifiers: ClinVar variation 1309 (VCV000001309.5), dbSNP rs121909391, ClinGen allele CA250442.